The following is an entry in ClinVar:

NM_020232.5(PSMG2):c.229+1G>A

Gene: PSMG2 (proteasome assembly chaperone 2; plus strand). Cytogenetic location: 18p11.21.
Variant type: single nucleotide variant.
Coding change: c.229+1G>A on transcript NM_020232.5 (MANE Select); the canonical splice donor site of the intron after coding-DNA position 229, G replaced by A.
Molecular consequence: splice donor variant.
Genome position (GRCh38, 1-based): chr18:12,706,722, G>A. VCF-style: chr18-12706722-G-A. GRCh37 (hg19) VCF-style: chr18-12706721-G-A.
Other names: c.136+1G>A (NM_147163.2).
Identifiers: ClinVar variation 4772168 (VCV004772168.1).

ClinVar aggregate classification (germline): Uncertain significance (1 of 4 stars; one submission).

Submission:

Labcorp Genetics (formerly Invitae), Labcorp
Classification: Uncertain significance. Last evaluated: 2025-04-17. Review status: criteria provided, single submitter. Criteria: Invitae Variant Classification Sherloc (09022015). Collection method: clinical testing. Allele origin: germline.
Comment: This sequence change affects a donor splice site in intron 2 of the PSMG2 gene. It is expected to disrupt RNA splicing. Variants that disrupt the donor or acceptor splice site typically lead to a loss of protein function (PMID: 16199547), however the current clinical and genetic evidence is not sufficient to establish whether loss-of-function variants in PSMG2 cause disease. This variant is present in population databases (no rsID available, gnomAD 0.0009%). This variant has not been reported in the literature in individuals affected with PSMG2-related conditions. Algorithms developed to predict the effect of sequence changes on RNA splicing suggest that this variant may disrupt the consensus splice site. In summary, the available evidence is currently insufficient to determine the role of this variant in disease. Therefore, it has been classified as a Variant of Uncertain Significance.

Literature cited by the submitters: PubMed 16199547.